The following is an entry in ClinVar:

ClinVar aggregate classification (germline): Uncertain significance (1 of 4 stars; one submission).

Conditions:
Inborn genetic diseases. Identifiers: MedGen C0950123, MeSH D030342.

gnomAD v4.1: 1 of 1,581,992 alleles (0.000063%); highest among the groups gnomAD compares: Non-Finnish European, 0.000087%; no homozygotes.

Submission:

Ambry Genetics
Classification: Uncertain significance for Inborn genetic diseases. Last evaluated: 2026-06-29. Review status: criteria provided, single submitter. Criteria: Ambry Variant Classification Scheme 2023. Collection method: clinical testing. Allele origin: germline.
Comment: The c.341C>G (p.P114R) alteration is located in exon 3 (coding exon 3) of the GLI2 gene. This alteration results from a C to G substitution at nucleotide position 341, causing the proline (P) at amino acid position 114 to be replaced by an arginine (R). Based on data from gnomAD, the G allele has an overall frequency of <0.001% (1/250766) total alleles studied. The highest observed frequency was 0.001% (1/113334) of European (non-Finnish) alleles. Based on insufficient or conflicting evidence, the clinical significance of this alteration remains unclear.

NM_001374353.1(GLI2):c.341C>G (p.Pro114Arg)

Gene: GLI2 (GLI family zinc finger 2; plus strand). Cytogenetic location: 2q14.2.
Variant type: single nucleotide variant.
Coding change: c.341C>G on transcript NM_001374353.1 (MANE Select); coding-DNA position 341, C replaced by G.
Protein change: p.Pro114Arg; replaces proline 114 with arginine.
Molecular consequence: missense variant. On other transcripts: 5 prime UTR variant (1).
Genome position (GRCh38, 1-based): chr2:120,951,329, C>G. VCF-style: chr2-120951329-C-G. GRCh37 (hg19) VCF-style: chr2-121708905-C-G.
Other names: c.341C>G, p.Pro114Arg (NM_001371271.1, NM_005270.5); c.-35C>G (NM_001374354.1); short protein forms P114R.
Identifiers: ClinVar variation 5022431 (VCV005022431.1).